The following is an entry in ClinVar:

NM_000540.3(RYR1):c.128A>C (p.Asn43Thr)

Gene: RYR1 (ryanodine receptor 1; plus strand). Cytogenetic location: 19q13.2.
Variant type: single nucleotide variant.
Coding change: c.128A>C on transcript NM_000540.3 (MANE Select); coding-DNA position 128, A replaced by C.
Protein change: p.Asn43Thr; replaces asparagine 43 with threonine.
Molecular consequence: missense variant.
Genome position (GRCh38, 1-based): chr19:38,440,827, A>C. VCF-style: chr19-38440827-A-C. GRCh37 (hg19) VCF-style: chr19-38931467-A-C.
Other names: c.128A>C, p.Asn43Thr (NM_001042723.2); short protein forms N43T.
Identifiers: ClinVar variation 2572642 (VCV002572642.1), dbSNP rs1600630942, ClinGen allele CA405671966.

ClinVar aggregate classification (germline): Likely pathogenic (1 of 4 stars; one submission).

Conditions:
Congenital multicore myopathy with external ophthalmoplegia (CMYO1B). Also called: Minicore myopathy with external ophthalmoplegia; MULTICORE MYOPATHY; MULTIMINICORE DISEASE WITH EXTERNAL OPHTHALMOPLEGIA; Congenital myopathy 1B, autosomal recessive; Minicore myopathy. Identifiers: Orphanet 598, Orphanet 98905, MedGen C1850674, MONDO:0009712, OMIM 255320, HP:0003789.

Submission:

Laboratory of Medical Genetics, National & Kapodistrian University of Athens
Classification: Likely pathogenic for Congenital multicore myopathy with external ophthalmoplegia. Last evaluated: 2023-04-26. Review status: criteria provided, single submitter. Criteria: ACMG Guidelines, 2015. Collection method: clinical testing. Allele origin: germline. Affected: yes.
Comment: PM2, PM3, PP3